The following is an entry in ClinVar:

ClinVar aggregate classification (germline): Uncertain significance (1 of 4 stars; one submission).

Conditions:
Hereditary cancer-predisposing syndrome. Also called: Neoplastic Syndromes, Hereditary; Tumor predisposition; Hereditary Cancer Syndrome; Hereditary neoplastic syndrome. Identifiers: Orphanet 140162, MedGen C0027672, MeSH D009386, MONDO:0015356.

Submission:

Ambry Genetics
Classification: Uncertain significance for Hereditary cancer-predisposing syndrome. Last evaluated: 2026-02-15. Review status: criteria provided, single submitter. Criteria: Ambry Variant Classification Scheme 2023. Collection method: clinical testing. Allele origin: germline.
Comment: The p.A603P variant (also known as c.1807G>C), located in coding exon 12 of the CTNNA1 gene, results from a G to C substitution at nucleotide position 1807. The alanine at codon 603 is replaced by proline, an amino acid with highly similar properties. This amino acid position is conserved. In addition, this alteration is predicted to be tolerated by in silico analysis. Based on the available evidence, the clinical significance of this variant remains unclear.

NM_001903.5(CTNNA1):c.1807G>C (p.Ala603Pro)

Gene: CTNNA1 (catenin alpha 1; plus strand). Cytogenetic location: 5q31.2.
Variant type: single nucleotide variant.
Coding change: c.1807G>C on transcript NM_001903.5 (MANE Select); coding-DNA position 1807, G replaced by C.
Protein change: p.Ala603Pro; replaces alanine 603 with proline.
Molecular consequence: missense variant.
Genome position (GRCh38, 1-based): chr5:138,925,315, G>C. VCF-style: chr5-138925315-G-C. GRCh37 (hg19) VCF-style: chr5-138261004-G-C.
Other names: c.1807G>C, p.Ala603Pro (NM_001290307.3, NM_001323982.2, NM_001323983.1 and 2 more transcripts); c.697G>C, p.Ala233Pro (NM_001323998.1, NM_001323999.1, NM_001324000.1 and 17 more transcripts); c.358G>C, p.Ala120Pro (NM_001324006.1, NM_001324007.1, NM_001324008.1 and 2 more transcripts); c.1438G>C, p.Ala480Pro (NM_001290310.3); c.604G>C, p.Ala202Pro (NM_001324011.1); c.454G>C, p.Ala152Pro (NM_001324012.1, NM_001324013.1); c.1714G>C, p.Ala572Pro (NM_001323986.2); c.1498G>C, p.Ala500Pro (NM_001290309.3); short protein forms A480P, A603P, A500P, A572P, A120P, A152P, A202P, A233P.
Identifiers: ClinVar variation 4844453 (VCV004844453.1).